The following is an entry in ClinVar:

NM_001022.4(RPS19):c.259G>A (p.Val87Ile)

Genes: RPS19 (ribosomal protein S19; plus strand), RPS19-CD79A (RPS19-CD79A readthrough; plus strand). Cytogenetic location: 19q13.2.
Variant type: single nucleotide variant.
Coding change: c.259G>A on transcript NM_001022.4 (MANE Select); coding-DNA position 259, G replaced by A.
Protein change: p.Val87Ile; replaces valine 87 with isoleucine.
Molecular consequence: missense variant.
Genome position (GRCh38, 1-based): chr19:41,869,117, G>A. VCF-style: chr19-41869117-G-A. GRCh37 (hg19) VCF-style: chr19-42373187-G-A.
Other names: c.259G>A, p.Val87Ile (NM_001321483.2, NM_001321484.2); c.272G>A, p.Arg91His (NM_001321485.2); short protein forms V87I, R91H.
Identifiers: ClinVar variation 941888 (VCV000941888.13), dbSNP rs782752734, ClinGen allele CA9465358.

ClinVar aggregate classification (germline): Uncertain significance. Review status: criteria provided, multiple submitters, no conflicts (2 of 4 stars). 4 submissions from 4 submitters: Uncertain significance (4). Last evaluated 2024-03-29.

Conditions:
Diamond-Blackfan anemia 1 (DBA1). Also called: BLACKFAN-DIAMOND SYNDROME; ANEMIA, CONGENITAL HYPOPLASTIC, OF BLACKFAN AND DIAMOND; ANEMIA, CONGENITAL ERYTHROID HYPOPLASTIC; RED CELL APLASIA, PURE, HEREDITARY; AREGENERATIVE ANEMIA, CHRONIC CONGENITAL; ERYTHROGENESIS IMPERFECTA. Identifiers: Orphanet 124, MedGen C2676137, MONDO:0007110, OMIM 105650.
Diamond-Blackfan anemia. Also called: Blackfan Diamond syndrome; Aregenerative anemia chronic congenital; Red cell aplasia, pure hereditary; Congenital hypoplastic anemia; Aase syndrome. Identifiers: Orphanet 124, MedGen C1260899, MeSH D029503, MONDO:0015253, HP:0004810.

Allele frequency attached by ClinVar (database versions not stated): gnomAD 0.00001; gnomAD exomes 0.00001; ExAC 0.00002; TOPMed 0.00002.
gnomAD v4.1: 19 of 1,613,746 alleles (0.0012%); highest among the groups gnomAD compares: East Asian, 0.0022%; no homozygotes.

Submissions (4):

Fulgent Genetics
Classification: Uncertain significance for Diamond-Blackfan anemia 1. Last evaluated: 2024-03-29. Review status: criteria provided, single submitter. Criteria: ACMG Guidelines, 2015. Collection method: clinical testing. Allele origin: germline.

Revvity Omics, Revvity
Classification: Uncertain significance for Diamond-Blackfan anemia 1. Last evaluated: 2023-02-27. Review status: criteria provided, single submitter. Criteria: ACMG Guidelines, 2015. Collection method: clinical testing. Allele origin: germline.

Labcorp Genetics (formerly Invitae), Labcorp
Classification: Uncertain significance for Diamond-Blackfan anemia. Last evaluated: 2021-10-11. Review status: criteria provided, single submitter. Criteria: Invitae Variant Classification Sherloc (09022015). Collection method: clinical testing. Allele origin: germline.
Comment: This sequence change replaces valine with isoleucine at codon 87 of the RPS19 protein (p.Val87Ile). The valine residue is highly conserved and there is a small physicochemical difference between valine and isoleucine. This variant is present in population databases (rs782752734, ExAC 0.01%). This variant has not been reported in the literature in individuals affected with RPS19-related conditions. Algorithms developed to predict the effect of missense changes on protein structure and function are either unavailable or do not agree on the potential impact of this missense change (SIFT: "Deleterious"; PolyPhen-2: "Benign"; Align-GVGD: "Class C25"). In summary, the available evidence is currently insufficient to determine the role of this variant in disease. Therefore, it has been classified as a Variant of Uncertain Significance.

Baylor Genetics
Classification: Uncertain significance for Diamond-Blackfan anemia 1. Last evaluated: 2020-11-23. Review status: criteria provided, single submitter. Criteria: ACMG Guidelines, 2015. Collection method: clinical testing. Allele origin: unknown. Affected: yes. Study: CSER-TexasKidsCanSeq.
Comment: This variant was determined to be of uncertain significance according to ACMG Guidelines, 2015 [PMID:25741868].